The following is an entry in ClinVar:

ClinVar aggregate classification (germline): Uncertain significance (1 of 4 stars; one submission).

gnomAD v4.1: 18 of 1,156,013 alleles (0.0016%); highest among the groups gnomAD compares: Admixed American, 0.0024%; no homozygotes.

Submission:

Ambry Genetics
Classification: Uncertain significance. Last evaluated: 2026-06-03. Review status: criteria provided, single submitter. Criteria: Ambry Variant Classification Scheme 2023. Collection method: clinical testing. Allele origin: germline.
Comment: The c.1048G>A (p.G350R) alteration is located in exon 4 (coding exon 3) of the GUCY2F gene. This alteration results from a G to A substitution at nucleotide position 1048, causing the glycine (G) at amino acid position 350 to be replaced by an arginine (R). Based on data from gnomAD, the A allele has an overall frequency of <0.001% (0/158973) total alleles studied. The highest observed frequency was <0.001% (/) of alleles. Based on insufficient or conflicting evidence, the clinical significance of this alteration remains unclear.

NM_001522.3(GUCY2F):c.1048G>A (p.Gly350Arg)

Gene: GUCY2F (guanylate cyclase 2F, retinal; minus strand). Cytogenetic location: Xq23.
Variant type: single nucleotide variant.
Coding change: c.1048G>A on transcript NM_001522.3 (MANE Select); coding-DNA position 1048, G replaced by A.
Protein change: p.Gly350Arg; replaces glycine 350 with arginine.
Molecular consequence: missense variant.
Genome position (GRCh38, 1-based): chrX:109,453,844, C>T on the plus strand (G>A on the coding strand, the complement: GUCY2F is on the minus strand). VCF-style: chrX-109453844-C-T. GRCh37 (hg19) VCF-style: chrX-108697073-C-T.
Other names: short protein forms G350R.
Identifiers: ClinVar variation 4858246 (VCV004858246.1).
Genomic context (GRCh38, chrX:109,453,844, plus strand): 5'-TTTCTTTCATAGCATTATTCATGGCTTGTGCGATAAAGTAAATTGAATTGTAGATGGTTC[C>T]AAACAACGGTGAAACCTATTTTTAAAAATTACAATTATCTTGAGCCCTGGTCGCCCTAGA-3'
Protein context (NP_001513.2, residues 340-360): LEFDQVSPLF[Gly350Arg]TIYNSIYFIA